The following is an entry in ClinVar:

ClinVar aggregate classification (germline): Uncertain significance (1 of 4 stars; one submission).

Allele frequency attached by ClinVar (database versions not stated): TOPMed 0.00003; gnomAD 0.00005; ESP Exome Variant Server 0.00008.
gnomAD v4.1: 79 of 1,611,766 alleles (0.0049%); highest among the groups gnomAD compares: South Asian, 0.058%; 1 homozygote.

Submission:

Labcorp Genetics (formerly Invitae), Labcorp
Classification: Uncertain significance. Last evaluated: 2022-08-09. Review status: criteria provided, single submitter. Criteria: Invitae Variant Classification Sherloc (09022015). Collection method: clinical testing. Allele origin: germline.
Comment: This sequence change falls in intron 16 of the LRPPRC gene. It does not directly change the encoded amino acid sequence of the LRPPRC protein. It affects a nucleotide within the consensus splice site. This variant is present in population databases (rs373476696, gnomAD 0.08%). This variant has not been reported in the literature in individuals affected with LRPPRC-related conditions. Variants that disrupt the consensus splice site are a relatively common cause of aberrant splicing (PMID: 17576681, 9536098). Algorithms developed to predict the effect of sequence changes on RNA splicing suggest that this variant is not likely to affect RNA splicing. In summary, the available evidence is currently insufficient to determine the role of this variant in disease. Therefore, it has been classified as a Variant of Uncertain Significance.

Literature cited by the submitters: PubMed 17576681; PubMed 9536098.

NM_133259.4(LRPPRC):c.1735+5C>T

Gene: LRPPRC (leucine rich pentatricopeptide repeat containing; minus strand). Cytogenetic location: 2p21.
Variant type: single nucleotide variant.
Coding change: c.1735+5C>T on transcript NM_133259.4 (MANE Select); 5 bases into the intron after coding-DNA position 1735, C replaced by T.
Molecular consequence: intron variant.
Genome position (GRCh38, 1-based): chr2:43,949,597, G>A on the plus strand (C>T on the coding strand, the complement: LRPPRC is on the minus strand). VCF-style: chr2-43949597-G-A. GRCh37 (hg19) VCF-style: chr2-44176736-G-A.
Identifiers: ClinVar variation 2163532 (VCV002163532.1), dbSNP rs373476696, ClinGen allele CA1638788.
Genomic context (GRCh38, chr2:43,949,597, plus strand): 5'-AACCCATCATTACACAGAAAAATGGATTTGTGGATAAGTTACAATCATCGAAATTGAAAC[G>A]CTACCCGTCGGTCCTCGAGGCTCCTGGCAATAACGTCCATCCTTGTACAACAATTCTGTT-3'